The following is an entry in ClinVar:

NM_007294.4(BRCA1):c.5010A>C (p.Arg1670Ser)

Gene: BRCA1 (BRCA1 DNA repair associated; minus strand). Cytogenetic location: 17q21.31.
Variant type: single nucleotide variant.
Coding change: c.5010A>C on transcript NM_007294.4 (MANE Select); coding-DNA position 5010, A replaced by C.
Protein change: p.Arg1670Ser; replaces arginine 1670 with serine.
Molecular consequence: missense variant. On other transcripts: non-coding transcript variant (1).
Genome position (GRCh38, 1-based): chr17:43,067,672, T>G on the plus strand (A>C on the coding strand, the complement: BRCA1 is on the minus strand). VCF-style: chr17-43067672-T-G. GRCh37 (hg19) VCF-style: chr17-41219689-T-G.
Other names: c.4797A>C, p.Arg1599Ser (NM_001407571.1, NM_001407895.1, NM_001407896.1 and 12 more transcripts); c.5076A>C, p.Arg1692Ser (NM_001407581.1, NM_001407582.1); c.5073A>C, p.Arg1691Ser (NM_001407583.1, NM_001407585.1, NM_001407587.1 and 1 more transcripts); c.5070A>C, p.Arg1690Ser (NM_001407590.1, NM_001407591.1); c.5010A>C, p.Arg1670Ser (NM_001407593.1, NM_001407594.1, NM_001407596.1 and 8 more transcripts); c.5007A>C, p.Arg1669Ser (NM_001407610.1, NM_001407611.1, NM_001407612.1 and 17 more transcripts); c.5004A>C, p.Arg1668Ser (NM_001407627.1, NM_001407628.1, NM_001407629.1 and 14 more transcripts); c.5001A>C, p.Arg1667Ser (NM_001407644.1, NM_001407645.1); and 70 more; short protein forms R566S, R1623S, R1691S, R1670S, R1501S, R1559S, R1582S, R1599S.
Identifiers: ClinVar variation 867532 (VCV000867532.3), dbSNP rs777828258, ClinGen allele CA10591500.

Conditions:
Breast-ovarian cancer, familial, susceptibility to, 1 (BROVCA1). Also called: BRCA1 Hereditary Breast and Ovarian Cancer; OVARIAN CANCER, SUSCEPTIBILITY TO. Identifiers: Orphanet 145, MedGen C2676676, MONDO:0011450, OMIM 604370. Disease mechanism: loss of function.

Submission:

Brotman Baty Institute, University of Washington
No classification provided (evidence only). Condition: Breast-ovarian cancer, familial 1. Review status: no classification provided. Collection method: in vitro. Allele origin: not applicable. Functional consequence: functionally_normal.
ClinVar note: "not provided" was previously submitted as the classification for the variant. However, the classification appeared to be based only on an observation of functional data so it was converted to no classification on 2025-07-30.